The following is an entry in ClinVar:

ClinVar aggregate classification (germline): Uncertain significance (1 of 4 stars; one submission).

Conditions:
Hereditary cancer-predisposing syndrome. Also called: Neoplastic Syndromes, Hereditary; Tumor predisposition; Hereditary neoplastic syndrome; Hereditary Cancer Syndrome. Identifiers: Orphanet 140162, MedGen C0027672, MeSH D009386, MONDO:0015356.

Submission:

Ambry Genetics
Classification: Uncertain significance for Hereditary cancer-predisposing syndrome. Last evaluated: 2024-05-28. Review status: criteria provided, single submitter. Criteria: Ambry Variant Classification Scheme 2023. Collection method: clinical testing. Allele origin: germline.
Comment: The p.S2077P variant (also known as c.6229T>C), located in coding exon 45 of the POLE gene, results from a T to C substitution at nucleotide position 6229. The serine at codon 2077 is replaced by proline, an amino acid with similar properties. This amino acid position is conserved. In addition, this alteration is predicted to be tolerated by in silico analysis. Based on the available evidence, the clinical significance of this variant remains unclear.

NM_006231.4(POLE):c.6229T>C (p.Ser2077Pro)

Gene: POLE (DNA polymerase epsilon, catalytic subunit; minus strand). Cytogenetic location: 12q24.33.
Variant type: single nucleotide variant.
Coding change: c.6229T>C on transcript NM_006231.4 (MANE Select); coding-DNA position 6229, T replaced by C.
Protein change: p.Ser2077Pro; replaces serine 2077 with proline.
Molecular consequence: missense variant.
Genome position (GRCh38, 1-based): chr12:132,632,416, A>G on the plus strand (T>C on the coding strand, the complement: POLE is on the minus strand). VCF-style: chr12-132632416-A-G. GRCh37 (hg19) VCF-style: chr12-133209002-A-G.
Other names: short protein forms S2077P.
Identifiers: ClinVar variation 3308428 (VCV003308428.1).